The following is an entry in ClinVar:

ClinVar aggregate classification (germline): Likely benign (1 of 4 stars; one submission).

Submission:

CeGaT Center for Human Genetics Tuebingen
Classification: Likely benign. Last evaluated: 2026-05-01. Review status: criteria provided, single submitter. Criteria: CeGaT Center For Human Genetics Tuebingen Variant Classification Criteria Version 2. Collection method: clinical testing. Allele origin: germline. Affected: yes. Observed: 1 variant allele.
Comment: RRAD: PM2:Supporting, BP4, BP7

NM_004165.3(RRAD):c.855C>A (p.Ile285=)

Gene: RRAD (RRAD, Ras related glycolysis inhibitor and calcium channel regulator; minus strand). Cytogenetic location: 16q22.1.
Variant type: single nucleotide variant.
Coding change: c.855C>A on transcript NM_004165.3 (MANE Select); coding-DNA position 855, C replaced by A.
Protein change: p.Ile285=; no amino-acid change (isoleucine 285 retained).
Molecular consequence: synonymous variant.
Genome position (GRCh38, 1-based): chr16:66,922,148, G>T on the plus strand (C>A on the coding strand, the complement: RRAD is on the minus strand). VCF-style: chr16-66922148-G-T. GRCh37 (hg19) VCF-style: chr16-66956051-G-T.
Other names: c.855C>A, p.Ile285= (NM_001128850.2).
Identifiers: ClinVar variation 4875028 (VCV004875028.2).
Genomic context (GRCh38, chr16:66,922,148, plus strand): 5'-GAGGTCGTGGCAGGACTTGGATTTGGCGCGAAAGGCCATCTTGCGGCTGTTACGAGCTAC[G>T]ATGCGGCCCAAGAAGCGCTTCGCCTTTTTGCCAAGGCTCTCTCGCCTCCGGGTGCCTGCT-3'
Protein context (NP_004156.1, residues 275-295): GKKAKRFLGR[Ile285=]VARNSRKMAF